The following is an entry in ClinVar:

ClinVar aggregate classification (germline): Uncertain significance. Review status: criteria provided, multiple submitters, no conflicts (2 of 4 stars). 2 submissions from 2 submitters: Uncertain significance (2). Last evaluated 2023-08-04.

Conditions:
Sitosterolemia 1. Identifiers: MedGen C2749759, MONDO:0020747, OMIM 210250.

Allele frequency attached by ClinVar (database versions not stated): gnomAD 0.00002 and 0.00001; TOPMed below 0.00001.
gnomAD v4.1: 5 of 1,614,188 alleles (0.00031%); highest among the groups gnomAD compares: Middle Eastern, 0.049%; no homozygotes.

Submissions (2):

Labcorp Genetics (formerly Invitae), Labcorp
Classification: Uncertain significance. Last evaluated: 2023-08-04. Review status: criteria provided, single submitter. Criteria: Invitae Variant Classification Sherloc (09022015). Collection method: clinical testing. Allele origin: germline.
Comment: This sequence change replaces phenylalanine, which is neutral and non-polar, with valine, which is neutral and non-polar, at codon 445 of the ABCG8 protein (p.Phe445Val). This variant is not present in population databases (gnomAD no frequency). This variant has not been reported in the literature in individuals affected with ABCG8-related conditions. ClinVar contains an entry for this variant (Variation ID: 1520342). Advanced modeling of protein sequence and biophysical properties (such as structural, functional, and spatial information, amino acid conservation, physicochemical variation, residue mobility, and thermodynamic stability) performed at Invitae indicates that this missense variant is not expected to disrupt ABCG8 protein function. In summary, the available evidence is currently insufficient to determine the role of this variant in disease. Therefore, it has been classified as a Variant of Uncertain Significance.

Revvity Omics, Revvity
Classification: Uncertain significance for Sitosterolemia 1. Last evaluated: 2023-02-28. Review status: criteria provided, single submitter. Criteria: ACMG Guidelines, 2015. Collection method: clinical testing. Allele origin: germline.

NM_022437.3(ABCG8):c.1333T>G (p.Phe445Val)

Gene: ABCG8 (ATP binding cassette subfamily G member 8; plus strand). Cytogenetic location: 2p21.
Variant type: single nucleotide variant.
Coding change: c.1333T>G on transcript NM_022437.3 (MANE Select); coding-DNA position 1333, T replaced by G.
Protein change: p.Phe445Val; replaces phenylalanine 445 with valine.
Molecular consequence: missense variant.
Genome position (GRCh38, 1-based): chr2:43,873,908, T>G. VCF-style: chr2-43873908-T-G. GRCh37 (hg19) VCF-style: chr2-44101047-T-G.
Other names: c.1330T>G, p.Phe444Val (NM_001357321.2); short protein forms F444V, F445V.
Identifiers: ClinVar variation 1520342 (VCV001520342.10), dbSNP rs376492876, ClinGen allele CA346669466.